The following is an entry in ClinVar:

ClinVar aggregate classification (germline): Likely benign. Review status: criteria provided, multiple submitters, no conflicts (2 of 4 stars). 3 submissions from 3 submitters: Likely benign (3). Last evaluated 2026-01-21.

Conditions:
Cardiomyopathy (CMYO). Also called: Cardiomyopathies. Identifiers: Orphanet 167848, MedGen C0878544, MONDO:0004994, HP:0001638. Inheritance: Various modes of inheritance.
LMNA-related disorder. Also called: LMNA-related condition; LMNA-related disease; LMNA-related disorders. Identifiers: MedGen CN380145.
Charcot-Marie-Tooth disease type 2. Also called: Charcot-Marie-Tooth type 2. Identifiers: Orphanet 64746, MedGen C0270914, MONDO:0018993.

Submissions (3):

PreventionGenetics, part of Exact Sciences
Classification: Likely benign for LMNA-related condition. Last evaluated: 2026-01-21. Review status: criteria provided, single submitter. Criteria: ACMG Guidelines, 2015. Collection method: clinical testing. Allele origin: germline.
Comment: This variant is classified as likely benign based on ACMG/AMP sequence variant interpretation guidelines (Richards et al. 2015 PMID: 25741868, with internal and published modifications).

Labcorp Genetics (formerly Invitae), Labcorp
Classification: Likely benign for Charcot-Marie-Tooth disease type 2. Last evaluated: 2025-11-17. Review status: criteria provided, single submitter. Criteria: Invitae Variant Classification Sherloc (09022015). Collection method: clinical testing. Allele origin: germline.

Color Diagnostics, LLC DBA Color Health
Classification: Likely benign for Cardiomyopathy. Last evaluated: 2019-06-10. Review status: criteria provided, single submitter. Criteria: ACMG Guidelines, 2015. Collection method: clinical testing. Allele origin: germline.

NM_170707.4(LMNA):c.514-7dup

Gene: LMNA (lamin A/C; plus strand). Cytogenetic location: 1q22.
Variant type: Duplication.
Coding change: c.514-7dup on transcript NM_170707.4 (MANE Select); 7 bases into the intron before coding-DNA position 514, one base duplicated (C; older notation c.514-7dupC).
Molecular consequence: intron variant.
Genome position (GRCh38, 1-based): chr1:156,134,396, C duplicated; the last of 2 consecutive C bases (chr1:156,134,395-156,134,396); duplicating either gives the same sequence. VCF-style (leftmost placement, unchanged base first): chr1-156134394-T-TC. GRCh37 (hg19) VCF-style: chr1-156104185-T-TC.
Other names: c.514-7dupC (NM_170707.3); c.514-7dup (NM_001282625.2, NM_001282626.2, NM_170708.4 and 1 more transcripts); c.178-7dup (NM_001257374.3); c.271-7dup (NM_001282624.2).
Identifiers: ClinVar variation 920552 (VCV000920552.11), dbSNP rs757260455, ClinGen allele CA053687.